The following is an entry in ClinVar:

NM_000441.2(SLC26A4):c.203T>C (p.Leu68Pro)

Gene: SLC26A4 (solute carrier family 26 member 4; plus strand). Cytogenetic location: 7q22.3.
Variant type: single nucleotide variant.
Coding change: c.203T>C on transcript NM_000441.2 (MANE Select); coding-DNA position 203, T replaced by C.
Protein change: p.Leu68Pro; replaces leucine 68 with proline.
Molecular consequence: missense variant.
Genome position (GRCh38, 1-based): chr7:107,663,334, T>C. VCF-style: chr7-107663334-T-C. GRCh37 (hg19) VCF-style: chr7-107303779-T-C.
Other names: c.203T>C (NM_000441.1); short protein forms L68P.
Identifiers: ClinVar variation 2445630 (VCV002445630.4), dbSNP rs749712560, ClinGen allele CA368845369.
Genomic context (GRCh38, chr7:107,663,334, plus strand): 5'-CAGTTTTCTTGCTTTTTGACAGTTGTTCAAGAAAGAGAGCCTTTGGTGTGCTAAAGACTC[T>C]TGTGCCCATCTTGGAGTGGCTCCCCAAATACCGAGTCAAGGAATGGCTGCTTAGTGACGT-3'
Protein context (NP_000432.1, residues 58-78): RKRAFGVLKT[Leu68Pro]VPILEWLPKY

ClinVar aggregate classification (germline): Likely pathogenic. Review status: criteria provided, multiple submitters, no conflicts (2 of 4 stars). 4 submissions from 4 submitters: Likely pathogenic (4). Last evaluated 2025-12-09.

Conditions:
Pendred syndrome (PDS). Also called: HYPOTHYROIDISM, CONGENITAL, DUE TO DYSHORMONOGENESIS, 2B; Pendred's syndrome; THYROID DYSHORMONOGENESIS 2B; THYROID HORMONOGENESIS, GENETIC DEFECT IN, 2B; DEAFNESS WITH GOITER; GOITER-DEAFNESS SYNDROME. Identifiers: Orphanet 705, MedGen C0271829, MONDO:0010134, OMIM 274600.
Autosomal recessive nonsyndromic hearing loss 4 (DFNB4). Also called: NEUROSENSORY NONSYNDROMIC RECESSIVE DEAFNESS 4; DEAFNESS, AUTOSOMAL RECESSIVE 4, WITH ENLARGED VESTIBULAR AQUEDUCT, DIGENIC; Deafness, autosomal recessive 4; Nonsyndromic enlarged vestibular aqueduct (NSEVA); Enlarged vestibular aqueduct, digenic; FOXI1-Related Pendred Syndrome. Identifiers: Orphanet 90636, MedGen C3538946, MONDO:0010933, OMIM 600791.

Submissions (4):

Genetics Research Center, University of Social Welfare and Rehabilitation Sciences
Classification: Likely pathogenic for Autosomal recessive nonsyndromic hearing loss 4. Last evaluated: 2025-12-09. Review status: criteria provided, single submitter. Criteria: ACMG Guidelines, 2015. Collection method: research. Allele origin: germline. Affected: yes.
Comment: The variant is present at a very low frequency in the gnomAD v2.1.1 dataset (allele frequency: 0.0001%) and has been previously reported in SLC26A4-related hearing loss (PMID: 36633841, 25372295). Multiple in silico prediction tools suggest that the variant is damaging to protein function.

Natera, Inc.
Classification: Likely pathogenic for Pendred syndrome. Last evaluated: 2024-10-23. Review status: criteria provided, single submitter. Criteria: Natera Variant Classification Schema (03/2026). Collection method: clinical testing. Allele origin: germline.
Comment: The c.203T>C variant in SLC26A4 is a missense variant predicted to cause substitution of leucine to proline at amino acid 68. This variant is rare in the general population with a frequency below the threshold expected for the associated phenotype(s). This variant has been observed in one or more individuals affected with the associated recessive disease, as either homozygous or compound heterozygous with a second variant (PMID: 30554688, 25372295, 38860500). Computational prediction algorithms indicate this variant is likely to affect gene or protein function. Given the available evidence, this variant is classified as Likely Pathogenic.

Baylor Genetics
Classification: Likely pathogenic for Autosomal recessive nonsyndromic hearing loss 4. Last evaluated: 2023-10-11. Review status: criteria provided, single submitter. Criteria: ACMG Guidelines, 2015. Collection method: clinical testing. Allele origin: unknown.

King Laboratory, University of Washington
Classification: Likely pathogenic for Autosomal recessive nonsyndromic hearing loss 4. Last evaluated: 2023-02-28. Review status: criteria provided, single submitter. Criteria: Li et al. (Genet Med. 2022). Collection method: research. Allele origin: unknown. Affected: yes.
Comment: This variant was found in compound heterozygosity with an SLC26A4 splicing variant that is known to be pathogenic, in a patient with bilateral sensorineural hearing loss of onset <18 years and bilateral Mondini deformity of the cochlea, in a study of pediatric hearing loss conducted by the King Laboratory (Carlson RJ et al. JAMA-OtoHNS 2023). This variant is a missense at a highly conserved site and is predicted to be damaging by multiple in-silico tools. As of January 2023, this variant has not been reported to ClinVar and is found in one heterozygous individual on gnomAD. Based on compound heterozygosity with a loss-of-function variant, consistently predicted functional effect, and goodness of fit of genotype to phenotype, we conclude that this variant is likely pathogenic.

Literature cited by the submitters: PubMed 36633841 (cited by Genetics Research Center, University of Social Welfare and Rehabilitation Sciences and King Laboratory, University of Washington); PubMed 25372295 (cited by Genetics Research Center, University of Social Welfare and Rehabilitation Sciences and Natera, Inc.); PubMed 30554688 (cited by Natera, Inc.); PubMed 38860500 (cited by Natera, Inc.).